The following is an entry in ClinVar:

ClinVar aggregate classification (germline): Uncertain significance. Review status: criteria provided, multiple submitters, no conflicts (2 of 4 stars). 2 submissions from 2 submitters: Uncertain significance (2). Last evaluated 2024-04-17.

Conditions:
Autosomal dominant nonsyndromic hearing loss 1. Also called: KONIGSMARK SYNDROME; DEAFNESS, AUTOSOMAL DOMINANT 1, WITH OR WITHOUT THROMBOCYTOPENIA. Identifiers: Orphanet 90635, MedGen C1852282, MONDO:0007424, OMIM 124900.
Progressive microcephaly-seizures-cortical blindness-developmental delay syndrome. Also called: Seizures, cortical blindness, and microcephaly syndrome. Identifiers: Orphanet 477814, MedGen C5567650, MONDO:0014714, OMIM 616632.

gnomAD v4.1: 11 of 1,551,696 alleles (0.00071%); highest among the groups gnomAD compares: African/African-American, 0.0096%; no homozygotes.

Submissions (2):

Labcorp Genetics (formerly Invitae), Labcorp
Classification: Uncertain significance for Progressive microcephaly-seizures-cortical blindness-developmental delay syndrome; Autosomal dominant nonsyndromic hearing loss 1. Last evaluated: 2024-04-17. Review status: criteria provided, single submitter. Criteria: Invitae Variant Classification Sherloc (09022015). Collection method: clinical testing. Allele origin: germline.
Comment: This sequence change replaces proline, which is neutral and non-polar, with serine, which is neutral and polar, at codon 631 of the DIAPH1 protein (p.Pro631Ser). This variant is not present in population databases (gnomAD no frequency). This variant has not been reported in the literature in individuals affected with DIAPH1-related conditions. ClinVar contains an entry for this variant (Variation ID: 2440780). Algorithms developed to predict the effect of missense changes on protein structure and function output the following: SIFT: "Not Available"; PolyPhen-2: "Not Available"; Align-GVGD: "Not Available". The serine amino acid residue is found in multiple mammalian species, which suggests that this missense change does not adversely affect protein function. In summary, the available evidence is currently insufficient to determine the role of this variant in disease. Therefore, it has been classified as a Variant of Uncertain Significance.

Revvity Omics, Revvity
Classification: Uncertain significance. Last evaluated: 2019-07-18. Review status: criteria provided, single submitter. Criteria: ACMG Guidelines, 2015. Collection method: clinical testing. Allele origin: germline.

NM_005219.5(DIAPH1):c.1891C>T (p.Pro631Ser)

Gene: DIAPH1 (diaphanous related formin 1; minus strand). Cytogenetic location: 5q31.3.
Variant type: single nucleotide variant.
Coding change: c.1891C>T on transcript NM_005219.5 (MANE Select); coding-DNA position 1891, C replaced by T.
Protein change: p.Pro631Ser; replaces proline 631 with serine.
Molecular consequence: missense variant.
Genome position (GRCh38, 1-based): chr5:141,573,959, G>A on the plus strand (C>T on the coding strand, the complement: DIAPH1 is on the minus strand). VCF-style: chr5-141573959-G-A. GRCh37 (hg19) VCF-style: chr5-140953526-G-A.
Other names: c.1864C>T, p.Pro622Ser (NM_001079812.3); c.1891C>T, p.Pro631Ser (NM_001314007.2); short protein forms P622S, P631S.
Identifiers: ClinVar variation 2440780 (VCV002440780.6), dbSNP rs769926497, ClinGen allele CA128437249.